The following is an entry in ClinVar:

ClinVar aggregate classification (germline): Conflicting classifications of pathogenicity. Review status: criteria provided, conflicting classifications (1 of 4 stars). 4 submissions from 4 submitters: Uncertain significance (3); Likely benign (1). Last evaluated 2026-09-04.

Conditions:
Familial adenomatous polyposis 2. Also called: FAP type 2; MUTYH-associated polyposis; MUTYH-related attenuated familial adenomatous polyposis; COLORECTAL ADENOMATOUS POLYPOSIS, AUTOSOMAL RECESSIVE; ADENOMAS, MULTIPLE COLORECTAL, AUTOSOMAL RECESSIVE; Adenomas, multiple colorectal. Identifiers: Orphanet 220460, Orphanet 247798, MedGen C3272841, MONDO:0012041, OMIM 608456.
Hereditary cancer-predisposing syndrome. Also called: Neoplastic Syndromes, Hereditary; Hereditary Cancer Syndrome; Tumor predisposition; Hereditary neoplastic syndrome. Identifiers: Orphanet 140162, MedGen C0027672, MeSH D009386, MONDO:0015356.

Submissions (4):

Ambry Genetics
Classification: Likely benign for Hereditary cancer-predisposing syndrome. Last evaluated: 2026-09-04. Review status: criteria provided, single submitter. Criteria: Ambry Variant Classification Scheme 2023. Collection method: clinical testing. Allele origin: germline.

Color Diagnostics, LLC DBA Color Health
Classification: Uncertain significance for Hereditary cancer-predisposing syndrome. Last evaluated: 2024-03-06. Review status: criteria provided, single submitter. Criteria: ACMG Guidelines, 2015. Collection method: clinical testing. Allele origin: germline.
Comment: This missense variant replaces isoleucine with valine at codon 14 of the MUTYH protein. Computational prediction suggests that this variant may not impact protein structure and function (internally defined REVEL score threshold <= 0.5, PMID: 27666373). Splice site prediction tools suggest that this variant may not impact RNA splicing. To our knowledge, functional studies have not been reported for this variant. This variant has not been reported in individuals affected with hereditary cancer in the literature. This variant has not been identified in the general population by the Genome Aggregation Database (gnomAD). The available evidence is insufficient to determine the role of this variant in disease conclusively. Therefore, this variant is classified as a Variant of Uncertain Significance.

Labcorp Genetics (formerly Invitae), Labcorp
Classification: Uncertain significance for Familial adenomatous polyposis 2. Last evaluated: 2023-06-04. Review status: criteria provided, single submitter. Criteria: Invitae Variant Classification Sherloc (09022015). Collection method: clinical testing. Allele origin: germline.
Comment: ClinVar contains an entry for this variant (Variation ID: 923355). This variant has not been reported in the literature in individuals affected with MUTYH-related conditions. This variant is not present in population databases (gnomAD no frequency). This sequence change replaces isoleucine, which is neutral and non-polar, with valine, which is neutral and non-polar, at codon 14 of the MUTYH protein (p.Ile14Val). Algorithms developed to predict the effect of missense changes on protein structure and function output the following: SIFT: "Not Available"; PolyPhen-2: "Benign"; Align-GVGD: "Not Available". The valine amino acid residue is found in multiple mammalian species, which suggests that this missense change does not adversely affect protein function. In summary, the available evidence is currently insufficient to determine the role of this variant in disease. Therefore, it has been classified as a Variant of Uncertain Significance.

Quest Diagnostics Nichols Institute San Juan Capistrano
Classification: Uncertain significance. Last evaluated: 2020-02-14. Review status: criteria provided, single submitter. Criteria: Quest Diagnostics criteria. Collection method: clinical testing. Allele origin: unknown.

NM_001128425.2(MUTYH):c.40A>G (p.Ile14Val)

Gene: MUTYH (mutY DNA glycosylase; minus strand). Cytogenetic location: 1p34.1.
Variant type: single nucleotide variant.
Coding change: c.40A>G on transcript NM_001128425.2 (MANE Plus Clinical); coding-DNA position 40, A replaced by G.
Protein change: p.Ile14Val; replaces isoleucine 14 with valine.
Molecular consequence: missense variant. On other transcripts: 5 prime UTR variant (10), non-coding transcript variant (2).
Genome position (GRCh38, 1-based): chr1:45,334,508, T>C on the plus strand (A>G on the coding strand, the complement: MUTYH is on the minus strand). VCF-style: chr1-45334508-T-C. GRCh37 (hg19) VCF-style: chr1-45800180-T-C.
Other names: c.-3A>G (NM_001048171.2, NM_001048172.2, NM_001048173.2 and 3 more transcripts); c.40A>G, p.Ile14Val (NM_001293190.2, NM_012222.3); c.-215A>G (NM_001293192.2, NM_001293196.2); c.-274A>G (NM_001350650.2); c.-210A>G (NM_001350651.2); short protein forms I14V.
Identifiers: ClinVar variation 923355 (VCV000923355.10), dbSNP rs1570467299, ClinGen allele CA340137330.